The following is an entry in ClinVar:

NM_002662.5(PLD1):c.2292C>T (p.Ala764=)

Gene: PLD1 (phospholipase D1; minus strand). Cytogenetic location: 3q26.31.
Variant type: single nucleotide variant.
Coding change: c.2292C>T on transcript NM_002662.5 (MANE Select); coding-DNA position 2292, C replaced by T.
Protein change: p.Ala764=; no amino-acid change (alanine 764 retained).
Molecular consequence: synonymous variant.
Genome position (GRCh38, 1-based): chr3:171,662,108, G>A on the plus strand (C>T on the coding strand, the complement: PLD1 is on the minus strand). VCF-style: chr3-171662108-G-A. GRCh37 (hg19) VCF-style: chr3-171379898-G-A.
Other names: c.2178C>T, p.Ala726= (NM_001130081.3); c.2292C>T (NM_002662.4).
Identifiers: ClinVar variation 2046196 (VCV002046196.7), dbSNP rs145015377, ClinGen allele CA2704313.

ClinVar aggregate classification (germline): Likely benign. Review status: criteria provided, multiple submitters, no conflicts (2 of 4 stars). 3 submissions from 3 submitters: Likely benign (2). 1 of the submissions does not count toward it. Last evaluated 2025-06-25.

Conditions:
PLD1-related disorder. Also called: PLD1-related condition.

Allele frequency attached by ClinVar (database versions not stated): TOPMed 0.00010; gnomAD 0.00015; ESP Exome Variant Server 0.00023; ExAC 0.00030; 1000 Genomes Project 30x 0.00031; gnomAD exomes 0.00032; 1000 Genomes Project 0.00040.
gnomAD v4.1: 501 of 1,613,428 alleles (0.031%); highest among the groups gnomAD compares: South Asian, 0.2%; 3 homozygotes.

Submissions (3):

Labcorp Genetics (formerly Invitae), Labcorp
Classification: Likely benign. Last evaluated: 2025-06-25. Review status: criteria provided, single submitter. Criteria: Invitae Variant Classification Sherloc (09022015). Collection method: clinical testing. Allele origin: germline.

Blueprint Genetics
Classification: Likely benign. Last evaluated: 2024-10-03. Review status: criteria provided, single submitter. Criteria: ACMG Guidelines, 2015. Collection method: clinical testing. Allele origin: germline.

PreventionGenetics, part of Exact Sciences
Classification: Likely benign for PLD1-related condition. Last evaluated: 2019-08-07. Review status: no assertion criteria provided. Collection method: clinical testing. Allele origin: germline. Not counted in ClinVar's aggregate classification.
Comment: This variant is classified as likely benign based on ACMG/AMP sequence variant interpretation guidelines (Richards et al. 2015 PMID: 25741868, with internal and published modifications).